The following is an entry in ClinVar:

ClinVar aggregate classification (germline): Benign. Review status: criteria provided, multiple submitters, no conflicts (2 of 4 stars). 2 submissions from 2 submitters: Benign (2). Last evaluated 2018-06-16.

Allele frequency attached by ClinVar (database versions not stated): gnomAD exomes 0.00463; ExAC 0.01004; gnomAD 0.01670 and 0.01777; 1000 Genomes Project 0.01697; 1000 Genomes Project 30x 0.01702; TOPMed 0.01852; ESP Exome Variant Server 0.01876.
gnomAD v4.1: 4,986 of 1,496,272 alleles (0.33%); highest among the groups gnomAD compares: African/African-American, 5.8%; 121 homozygotes.

Submissions (2):

GeneDx
Classification: Benign. Last evaluated: 2018-06-16. Review status: criteria provided, single submitter. Criteria: GeneDx Variant Classification (06012015). Collection method: clinical testing. Allele origin: germline. Affected: yes.
Comment: This variant is considered likely benign or benign based on one or more of the following criteria: it is a conservative change, it occurs at a poorly conserved position in the protein, it is predicted to be benign by multiple in silico algorithms, and/or has population frequency not consistent with disease.

Breakthrough Genomics
Classification: Benign. Review status: criteria provided, single submitter. Criteria: ACMG Guidelines, 2015. Collection method: not provided. Allele origin: germline. Inheritance: Autosomal dominant inheritance. Affected: yes.

NM_020822.3(KCNT1):c.1619+45G>A

Gene: KCNT1 (potassium sodium-activated channel subfamily T member 1; plus strand). Cytogenetic location: 9q34.3.
Variant type: single nucleotide variant.
Coding change: c.1619+45G>A on transcript NM_020822.3 (MANE Select); 45 bases into the intron after coding-DNA position 1619, G replaced by A.
Molecular consequence: intron variant.
Genome position (GRCh38, 1-based): chr9:135,770,100, G>A. VCF-style: chr9-135770100-G-A. GRCh37 (hg19) VCF-style: chr9-138661946-G-A.
Other names: c.1484+45G>A (NM_001272003.2).
Identifiers: ClinVar variation 677648 (VCV000677648.2), dbSNP rs116237874, ClinGen allele CA5326984.